The following is an entry in ClinVar:

NM_000342.4(SLC4A1):c.486-21T>A

Gene: SLC4A1 (solute carrier family 4 member 1 (Diego blood group); minus strand). Cytogenetic location: 17q21.31.
Variant type: single nucleotide variant.
Coding change: c.486-21T>A on transcript NM_000342.4 (MANE Select); 21 bases into the intron before coding-DNA position 486, T replaced by A.
Molecular consequence: intron variant.
Genome position (GRCh38, 1-based): chr17:44,259,953, A>T on the plus strand (T>A on the coding strand, the complement: SLC4A1 is on the minus strand). VCF-style: chr17-44259953-A-T. GRCh37 (hg19) VCF-style: chr17-42337321-A-T.
Identifiers: ClinVar variation 4854519 (VCV004854519.1).

ClinVar aggregate classification (germline): Uncertain significance (1 of 4 stars; one submission).

Conditions:
Hereditary spherocytosis type 4. Also called: SLC4A1-Related Spherocytosis. Identifiers: Orphanet 822, MedGen C2675212, MONDO:0012981, OMIM 612653.

Submission:

3billion
Classification: Uncertain significance for Hereditary spherocytosis type 4. Last evaluated: 2025-06-09. Review status: criteria provided, single submitter. Criteria: ACMG Guidelines, 2015. Collection method: clinical testing. Allele origin: germline. Affected: yes.
Comment: The variant is not observed in the gnomAD v4.1.0 dataset. Predicted Consequence/Location: Intron variant In silico tools predict the variant to alter splicing and produce an abnormal transcript [SpliceAI: 0.29 (>=0.2, moderate evidence for spliceogenicity)]. Therefore, this variant is classified as VUS according to the recommendation of ACMG/AMP guideline.